The following is an entry in ClinVar:

NM_006158.5(NEFL):c.997C>G (p.Leu333Val)

Gene: NEFL (neurofilament light chain; minus strand). Cytogenetic location: 8p21.2.
Variant type: single nucleotide variant.
Coding change: c.997C>G on transcript NM_006158.5 (MANE Select); coding-DNA position 997, C replaced by G.
Protein change: p.Leu333Val; replaces leucine 333 with valine.
Molecular consequence: missense variant.
Genome position (GRCh38, 1-based): chr8:24,955,519, G>C on the plus strand (C>G on the coding strand, the complement: NEFL is on the minus strand). VCF-style: chr8-24955519-G-C. GRCh37 (hg19) VCF-style: chr8-24813033-G-C.
Other names: short protein forms L333V.
Identifiers: ClinVar variation 1768792 (VCV001768792.5), dbSNP rs774561954, ClinGen allele CA370621166.

ClinVar aggregate classification (germline): Uncertain significance. Review status: criteria provided, multiple submitters, no conflicts (2 of 4 stars). 2 submissions from 2 submitters: Uncertain significance (2). Last evaluated 2023-11-24.

Conditions:
Charcot-Marie-Tooth disease type 2E (CMT2E). Also called: CHARCOT-MARIE-TOOTH DISEASE, AXONAL, TYPE 2E; CHARCOT-MARIE-TOOTH NEUROPATHY, TYPE 2E. Identifiers: Orphanet 99939, MedGen C1843225, MONDO:0011894, OMIM 607684.
Inborn genetic diseases. Identifiers: MedGen C0950123, MeSH D030342.

Submissions (2):

Labcorp Genetics (formerly Invitae), Labcorp
Classification: Uncertain significance for Charcot-Marie-Tooth disease type 2E. Last evaluated: 2023-11-24. Review status: criteria provided, single submitter. Criteria: Invitae Variant Classification Sherloc (09022015). Collection method: clinical testing. Allele origin: germline.
Comment: This sequence change replaces leucine, which is neutral and non-polar, with valine, which is neutral and non-polar, at codon 333 of the NEFL protein (p.Leu333Val). This variant is not present in population databases (gnomAD no frequency). This variant has not been reported in the literature in individuals affected with NEFL-related conditions. ClinVar contains an entry for this variant (Variation ID: 1768792). Advanced modeling of protein sequence and biophysical properties (such as structural, functional, and spatial information, amino acid conservation, physicochemical variation, residue mobility, and thermodynamic stability) performed at Invitae indicates that this missense variant is not expected to disrupt NEFL protein function with a negative predictive value of 80%. In summary, the available evidence is currently insufficient to determine the role of this variant in disease. Therefore, it has been classified as a Variant of Uncertain Significance.

Ambry Genetics
Classification: Uncertain significance for Inborn genetic diseases. Last evaluated: 2021-07-14. Review status: criteria provided, single submitter. Criteria: Ambry Variant Classification Scheme 2023. Collection method: clinical testing. Allele origin: germline.
Comment: The p.L333V variant (also known as c.997C>G), located in coding exon 1 of the NEFL gene, results from a C to G substitution at nucleotide position 997. The leucine at codon 333 is replaced by valine, an amino acid with highly similar properties. This amino acid position is conserved. In addition, the in silico prediction for this alteration is inconclusive. Since supporting evidence is limited at this time, the clinical significance of this alteration remains unclear.